The following is an entry in ClinVar:

ClinVar aggregate classification (germline): Uncertain significance. Review status: criteria provided, multiple submitters, no conflicts (2 of 4 stars). 2 submissions from 2 submitters: Uncertain significance (2). Last evaluated 2025-11-11.

Conditions:
Colorectal cancer, hereditary nonpolyposis, type 7. Identifiers: Orphanet 144, MedGen C1858380, MONDO:0013725, OMIM 614385.

Allele frequency attached by ClinVar (database versions not stated): gnomAD 0.00001; gnomAD exomes 0.00001; TOPMed 0.00001.
gnomAD v4.1: 8 of 1,613,928 alleles (0.0005%); highest among the groups gnomAD compares: Non-Finnish European, 0.00068%; no homozygotes.

Submissions (2):

Ambry Genetics
Classification: Uncertain significance. Last evaluated: 2025-11-11. Review status: criteria provided, single submitter. Criteria: Ambry Variant Classification Scheme 2023. Collection method: clinical testing. Allele origin: germline.
Comment: The p.K703I variant (also known as c.2108A>T), located in coding exon 1 of the MLH3 gene, results from an A to T substitution at nucleotide position 2108. The lysine at codon 703 is replaced by isoleucine, an amino acid with dissimilar properties. This amino acid position is poorly conserved in available vertebrate species. In addition, this alteration is predicted to be tolerated by in silico analysis. The evidence for this gene-disease relationship is limited; therefore, the clinical significance of this alteration is unclear.

Labcorp Genetics (formerly Invitae), Labcorp
Classification: Uncertain significance for Colorectal cancer, hereditary nonpolyposis, type 7. Last evaluated: 2023-05-16. Review status: criteria provided, single submitter. Criteria: Invitae Variant Classification Sherloc (09022015). Collection method: clinical testing. Allele origin: germline.
Comment: ClinVar contains an entry for this variant (Variation ID: 1504537). This variant has not been reported in the literature in individuals affected with MLH3-related conditions. This variant is not present in population databases (gnomAD no frequency). This sequence change replaces lysine, which is basic and polar, with isoleucine, which is neutral and non-polar, at codon 703 of the MLH3 protein (p.Lys703Ile). In summary, the available evidence is currently insufficient to determine the role of this variant in disease. Therefore, it has been classified as a Variant of Uncertain Significance. An algorithm developed to predict the effect of missense changes on protein structure and function (PolyPhen-2) suggests that this variant is likely to be tolerated.

NM_001040108.2(MLH3):c.2108A>T (p.Lys703Ile)

Gene: MLH3 (mutL homolog 3; minus strand). Cytogenetic location: 14q24.3.
Variant type: single nucleotide variant.
Coding change: c.2108A>T on transcript NM_001040108.2 (MANE Select); coding-DNA position 2108, A replaced by T.
Protein change: p.Lys703Ile; replaces lysine 703 with isoleucine.
Molecular consequence: missense variant.
Genome position (GRCh38, 1-based): chr14:75,047,548, T>A on the plus strand (A>T on the coding strand, the complement: MLH3 is on the minus strand). VCF-style: chr14-75047548-T-A. GRCh37 (hg19) VCF-style: chr14-75514251-T-A.
Other names: c.2108A>T, p.Lys703Ile (NM_014381.3); c.2108A>T (NM_001040108.1); short protein forms K703I.
Identifiers: ClinVar variation 1504537 (VCV001504537.10), dbSNP rs1330464135, ClinGen allele CA390441725.